The following is an entry in ClinVar:

ClinVar aggregate classification (germline): Uncertain significance. Review status: criteria provided, multiple submitters, no conflicts (2 of 4 stars). 3 submissions from 3 submitters: Uncertain significance (3). Last evaluated 2024-11-21.

Allele frequency attached by ClinVar (database versions not stated): gnomAD 0.00004; TOPMed 0.00005; gnomAD exomes 0.00006; ExAC 0.00008.
gnomAD v4.1: 75 of 1,608,468 alleles (0.0047%); highest among the groups gnomAD compares: Non-Finnish European, 0.0056%; no homozygotes.

Submissions (3):

Blueprint Genetics
Classification: Uncertain significance. Last evaluated: 2024-11-21. Review status: criteria provided, single submitter. Criteria: ACMG Guidelines, 2015. Collection method: clinical testing. Allele origin: germline.

Labcorp Genetics (formerly Invitae), Labcorp
Classification: Uncertain significance. Last evaluated: 2024-09-30. Review status: criteria provided, single submitter. Criteria: Invitae Variant Classification Sherloc (09022015). Collection method: clinical testing. Allele origin: germline.
Comment: This sequence change replaces valine, which is neutral and non-polar, with isoleucine, which is neutral and non-polar, at codon 139 of the NUP107 protein (p.Val139Ile). This variant is present in population databases (rs757242634, gnomAD 0.01%). This variant has not been reported in the literature in individuals affected with NUP107-related conditions. ClinVar contains an entry for this variant (Variation ID: 1335113). Invitae Evidence Modeling of protein sequence and biophysical properties (such as structural, functional, and spatial information, amino acid conservation, physicochemical variation, residue mobility, and thermodynamic stability) indicates that this missense variant is not expected to disrupt NUP107 protein function with a negative predictive value of 80%. In summary, the available evidence is currently insufficient to determine the role of this variant in disease. Therefore, it has been classified as a Variant of Uncertain Significance.

CeGaT Center for Human Genetics Tuebingen
Classification: Uncertain significance. Last evaluated: 2021-10-01. Review status: criteria provided, single submitter. Criteria: CeGaT Center For Human Genetics Tuebingen Variant Classification Criteria Version 2. Collection method: clinical testing. Allele origin: germline. Affected: yes. Observed: 1 variant allele.

NM_020401.4(NUP107):c.415G>A (p.Val139Ile)

Gene: NUP107 (nucleoporin 107; plus strand). Cytogenetic location: 12q15.
Variant type: single nucleotide variant.
Coding change: c.415G>A on transcript NM_020401.4 (MANE Select); coding-DNA position 415, G replaced by A.
Protein change: p.Val139Ile; replaces valine 139 with isoleucine.
Molecular consequence: missense variant.
Genome position (GRCh38, 1-based): chr12:68,692,079, G>A. VCF-style: chr12-68692079-G-A. GRCh37 (hg19) VCF-style: chr12-69085859-G-A.
Other names: c.328G>A, p.Val110Ile (NM_001330192.2); short protein forms V110I, V139I.
Identifiers: ClinVar variation 1335113 (VCV001335113.40), dbSNP rs757242634, ClinGen allele CA6677405.